The following is an entry in ClinVar:

NM_000255.4(MMUT):c.160A>T (p.Lys54Ter)

Gene: MMUT (methylmalonyl-CoA mutase; minus strand). Cytogenetic location: 6p12.3.
Variant type: single nucleotide variant.
Coding change: c.160A>T on transcript NM_000255.4 (MANE Select); coding-DNA position 160, A replaced by T.
Protein change: p.Lys54Ter; replaces lysine 54 with a stop codon.
Molecular consequence: nonsense.
Genome position (GRCh38, 1-based): chr6:49,459,307, T>A on the plus strand (A>T on the coding strand, the complement: MMUT is on the minus strand). VCF-style: chr6-49459307-T-A. GRCh37 (hg19) VCF-style: chr6-49427020-T-A.
Other names: short protein forms K54*.
Identifiers: ClinVar variation 466219 (VCV000466219.19), dbSNP rs1554161054, ClinGen allele CA364405547.

ClinVar aggregate classification (germline): Pathogenic. Review status: criteria provided, multiple submitters, no conflicts (2 of 4 stars). 6 submissions from 6 submitters: Pathogenic (5). 1 of the submissions does not count toward it. Last evaluated 2025-07-18.

Conditions:
Methylmalonic aciduria due to complete methylmalonyl-CoA mutase deficiency.
Methylmalonic aciduria due to methylmalonyl-CoA mutase deficiency (MAMM). Also called: Methylmalonic aciduria, mut type. Identifiers: Orphanet 27, MedGen C1855114, MONDO:0009612, OMIM 251000.

Allele frequency attached by ClinVar (database versions not stated): gnomAD exomes below 0.00001.
gnomAD v4.1: 2 of 1,614,172 alleles (0.00012%); highest among the groups gnomAD compares: Non-Finnish European, 0.000085%; no homozygotes.

Submissions (6):

Natera, Inc.
Classification: Pathogenic for Methylmalonic aciduria due to complete methylmalonyl-CoA mutase deficiency. Last evaluated: 2025-07-18. Review status: criteria provided, single submitter. Criteria: Natera Variant Classification Schema (03/2026). Collection method: clinical testing. Allele origin: germline.
Comment: The c.160A>T variant in MMUT is a nonsense variant predicted to introduce a stop codon at amino acid 54. This variant is expected to result in nonsense mediated decay, truncation, or a dysfunctional protein product. This variant is rare in the general population with a frequency below the threshold expected for the associated phenotype(s). This variant has been observed in one or more individuals affected with the associated recessive disease, as either homozygous or compound heterozygous with a second variant (PMID: 30712249). Given the available evidence, this variant is classified as Pathogenic.

3billion
Classification: Pathogenic for Methylmalonic aciduria due to methylmalonyl-CoA mutase deficiency. Last evaluated: 2024-09-28. Review status: criteria provided, single submitter. Criteria: ACMG Guidelines, 2015. Collection method: clinical testing. Allele origin: germline. Affected: yes.
Comment: The variant is observed at an extremely low frequency in the gnomAD v4.1.0 dataset (total allele frequency: <0.001%). Predicted Consequence/Location: Stop-gained (nonsense): predicted to result in a loss or disruption of normal protein function through nonsense-mediated decay (NMD) or protein truncation. Multiple pathogenic variants are reported downstream of the variant. The variant has been reported at least twice as pathogenic without evidence for the classification (ClinVar ID: VCV000466219 /PMID: 10923046). Therefore, this variant is classified as Pathogenic according to the recommendation of ACMG/AMP guideline.

Genome-Nilou Lab
Classification: Pathogenic for Methylmalonic aciduria due to methylmalonyl-CoA mutase deficiency. Last evaluated: 2021-07-22. Review status: criteria provided, single submitter. Criteria: ACMG Guidelines, 2015. Collection method: clinical testing. Allele origin: germline. Affected: no.

Labcorp Genetics (formerly Invitae), Labcorp
Classification: Pathogenic. Last evaluated: 2020-08-25. Review status: criteria provided, single submitter. Criteria: Invitae Variant Classification Sherloc (09022015). Collection method: clinical testing. Allele origin: germline.
Comment: For these reasons, this variant has been classified as Pathogenic. Loss-of-function variants in MUT are known to be pathogenic (PMID: 15781192). This variant has been observed to be homozygous in several individuals affected with affected with methylmalonic acidemia (PMID: 10923046, 22727635). ClinVar contains an entry for this variant (Variation ID: 466219). This variant is not present in population databases (ExAC no frequency). This sequence change creates a premature translational stop signal (p.Lys54*) in the MUT gene. It is expected to result in an absent or disrupted protein product.

Kariminejad - Najmabadi Pathology & Genetics Center
Classification: Pathogenic for Methylmalonic aciduria due to methylmalonyl-CoA mutase deficiency. Review status: criteria provided, single submitter. Criteria: ACMG Guidelines, 2015. Collection method: clinical testing. Allele origin: germline. Affected: no.

Counsyl
Classification: Pathogenic for Methylmalonic aciduria due to methylmalonyl-CoA mutase deficiency. Last evaluated: 2017-08-22. Review status: no assertion criteria provided. Collection method: clinical testing. Allele origin: unknown. Not counted in ClinVar's aggregate classification.

Literature cited by the submitters: PubMed 30712249 (cited by Natera, Inc.); PubMed 10923046 (cited by 3billion and Labcorp Genetics (formerly Invitae), Labcorp); PubMed 15781192 (cited by Labcorp Genetics (formerly Invitae), Labcorp); PubMed 22727635 (cited by Labcorp Genetics (formerly Invitae), Labcorp and Counsyl); PubMed 27167370 (cited by Counsyl).